The following is an entry in ClinVar:

ClinVar aggregate classification (germline): Uncertain significance. Review status: criteria provided, multiple submitters, no conflicts (2 of 4 stars). 6 submissions from 5 submitters: Uncertain significance (6). Last evaluated 2026-01-06.

Conditions:
Inborn genetic diseases. Identifiers: MedGen C0950123, MeSH D030342.
Retinitis pigmentosa 39 (RP39). Identifiers: Orphanet 791, MedGen C3151138, MONDO:0013436, OMIM 613809.
Usher syndrome type 2A. Also called: USHER SYNDROME, TYPE IIA; RETINAL DISEASE IN USHER SYNDROME TYPE IIA, MODIFIER OF. Identifiers: Orphanet 231178, Orphanet 886, MedGen C1848634, MONDO:0010169, OMIM 276901.

Allele frequency attached by ClinVar (database versions not stated): gnomAD 0.00001; gnomAD exomes 0.00001 and 0.00003; TOPMed 0.00002; ExAC 0.00004.
gnomAD v4.1: 25 of 1,613,734 alleles (0.0015%); highest among the groups gnomAD compares: Non-Finnish European, 0.00017%; no homozygotes.

Submissions (6):

GeneDx
Classification: Uncertain significance. Last evaluated: 2026-01-06. Review status: criteria provided, single submitter. Criteria: GeneDx Variant Classification Process June 2021. Collection method: clinical testing. Allele origin: germline.
Comment: Reported with a second variant (phase unknown) in a patient with inherited retinal disease in published literature (PMID: 33749171, 38219857); In silico analysis supports that this missense variant has a deleterious effect on protein structure/function; This variant is associated with the following publications: (PMID: 33749171, 38219857)

Ambry Genetics
Classification: Uncertain significance for Inborn genetic diseases. Last evaluated: 2025-07-04. Review status: criteria provided, single submitter. Criteria: Ambry Variant Classification Scheme 2023. Collection method: clinical testing. Allele origin: germline.

Genome-Nilou Lab
Classification: Uncertain significance for Retinitis pigmentosa 39. Last evaluated: 2023-11-04. Review status: criteria provided, single submitter. Criteria: ACMG Guidelines, 2015. Collection method: clinical testing. Allele origin: germline. Affected: no.

Genome-Nilou Lab
Classification: Uncertain significance for Usher syndrome type 2A. Last evaluated: 2023-11-04. Review status: criteria provided, single submitter. Criteria: ACMG Guidelines, 2015. Collection method: clinical testing. Allele origin: germline. Affected: no.

Labcorp Genetics (formerly Invitae), Labcorp
Classification: Uncertain significance. Last evaluated: 2022-07-04. Review status: criteria provided, single submitter. Criteria: Invitae Variant Classification Sherloc (09022015). Collection method: clinical testing. Allele origin: germline.
Comment: This sequence change replaces proline, which is neutral and non-polar, with threonine, which is neutral and polar, at codon 1104 of the USH2A protein (p.Pro1104Thr). This variant is present in population databases (rs751890894, gnomAD 0.06%). This variant has not been reported in the literature in individuals affected with USH2A-related conditions. ClinVar contains an entry for this variant (Variation ID: 1416378). Algorithms developed to predict the effect of missense changes on protein structure and function are either unavailable or do not agree on the potential impact of this missense change (SIFT: "Deleterious"; PolyPhen-2: "Probably Damaging"; Align-GVGD: "Class C0"). In summary, the available evidence is currently insufficient to determine the role of this variant in disease. Therefore, it has been classified as a Variant of Uncertain Significance.

Blueprint Genetics
Classification: Uncertain significance. Last evaluated: 2021-06-24. Review status: criteria provided, single submitter. Criteria: ACMG Guidelines, 2015. Collection method: clinical testing. Allele origin: germline.

NM_206933.4(USH2A):c.3310C>A (p.Pro1104Thr)

Genes: USH2A (usherin; minus strand), USH2A-AS1 (USH2A antisense RNA 1; plus strand). Cytogenetic location: 1q41.
Variant type: single nucleotide variant.
Coding change: c.3310C>A on transcript NM_206933.4 (MANE Select); coding-DNA position 3310, C replaced by A.
Protein change: p.Pro1104Thr; replaces proline 1104 with threonine.
Molecular consequence: missense variant.
Genome position (GRCh38, 1-based): chr1:216,207,279, G>T on the plus strand (C>A on the coding strand, the complement: USH2A is on the minus strand). VCF-style: chr1-216207279-G-T. GRCh37 (hg19) VCF-style: chr1-216380621-G-T.
Other names: c.3310C>A (NM_206933.2); c.3310C>A, p.Pro1104Thr (NM_007123.6); short protein forms P1104T.
Identifiers: ClinVar variation 1416378 (VCV001416378.7), dbSNP rs751890894, ClinGen allele CA1396039.